The following is an entry in ClinVar:

ClinVar aggregate classification (germline): Conflicting classifications of pathogenicity. Review status: criteria provided, conflicting classifications (1 of 4 stars). 6 submissions from 6 submitters: Likely pathogenic (1); Uncertain significance (4). 1 of the submissions does not count toward it. Last evaluated 2025-10-10.

Conditions:
Peroxisome biogenesis disorder 4A (Zellweger) (PBD4A). Also called: Zellweger syndrome spectrum (PEX6-related). Identifiers: Orphanet 912, MedGen C3553936, MONDO:0013930, OMIM 614862. Disease mechanism: loss of function.
Peroxisome biogenesis disorder 4B (PBD4B). Also called: SPINOCEREBELLAR ATAXIA WITH BLINDNESS AND DEAFNESS 1. Identifiers: Orphanet 44, Orphanet 95433, MedGen C3553937, MONDO:0013931, OMIM 614863.
Peroxisome biogenesis disorder. Identifiers: Orphanet 79189, MedGen C1832200, MONDO:0019234. Disease mechanism: loss of function.
Inborn genetic diseases. Identifiers: MedGen C0950123, MeSH D030342.

Allele frequency attached by ClinVar (database versions not stated): ExAC below 0.00001; gnomAD exomes 0.00001 and 0.00009; gnomAD 0.00005; TOPMed 0.00005.
gnomAD v4.1: 131 of 1,503,010 alleles (0.0087%); highest among the groups gnomAD compares: Non-Finnish European, 0.011%; no homozygotes.

Submissions (6):

GeneDx
Classification: Likely pathogenic. Last evaluated: 2025-10-10. Review status: criteria provided, single submitter. Criteria: GeneDx Variant Classification Process June 2021. Collection method: clinical testing. Allele origin: germline.
Comment: Not observed at significant frequency in large population cohorts (gnomAD); In silico analysis supports that this missense variant has a deleterious effect on protein structure/function; Has not been previously published as pathogenic or benign to our knowledge

Ambry Genetics
Classification: Uncertain significance for Inborn genetic diseases. Last evaluated: 2025-01-10. Review status: criteria provided, single submitter. Criteria: Ambry Variant Classification Scheme 2023. Collection method: clinical testing. Allele origin: germline.

Blueprint Genetics
Classification: Uncertain significance. Last evaluated: 2024-11-22. Review status: criteria provided, single submitter. Criteria: ACMG Guidelines, 2015. Collection method: clinical testing. Allele origin: germline.

Labcorp Genetics (formerly Invitae), Labcorp
Classification: Uncertain significance for Peroxisome biogenesis disorder. Last evaluated: 2022-08-22. Review status: criteria provided, single submitter. Criteria: Invitae Variant Classification Sherloc (09022015). Collection method: clinical testing. Allele origin: germline.
Comment: This sequence change replaces arginine, which is basic and polar, with tryptophan, which is neutral and slightly polar, at codon 99 of the PEX6 protein (p.Arg99Trp). The frequency data for this variant in the population databases is considered unreliable, as metrics indicate poor data quality at this position in the gnomAD database. This variant has not been reported in the literature in individuals affected with PEX6-related conditions. ClinVar contains an entry for this variant (Variation ID: 356806). Algorithms developed to predict the effect of missense changes on protein structure and function are either unavailable or do not agree on the potential impact of this missense change (SIFT: "Deleterious"; PolyPhen-2: "Probably Damaging"; Align-GVGD: "Class C0"). In summary, the available evidence is currently insufficient to determine the role of this variant in disease. Therefore, it has been classified as a Variant of Uncertain Significance.

Illumina Laboratory Services, Illumina
Classification: Uncertain significance for Peroxisome biogenesis disorder 4A (Zellweger). Last evaluated: 2018-01-12. Review status: criteria provided, single submitter. Criteria: ICSL Variant Classification Criteria 13 December 2019. Collection method: clinical testing. Allele origin: germline.

Counsyl
Classification: Uncertain significance for Peroxisome biogenesis disorder 4A (Zellweger); Peroxisome biogenesis disorder 4B. Last evaluated: 2017-05-30. Review status: no assertion criteria provided. Collection method: clinical testing. Allele origin: unknown. Not counted in ClinVar's aggregate classification.

NM_000287.4(PEX6):c.295C>T (p.Arg99Trp)

Gene: PEX6 (peroxisomal biogenesis factor 6; minus strand). Cytogenetic location: 6p21.1.
Variant type: single nucleotide variant.
Coding change: c.295C>T on transcript NM_000287.4 (MANE Select); coding-DNA position 295, C replaced by T.
Protein change: p.Arg99Trp; replaces arginine 99 with tryptophan.
Molecular consequence: missense variant. On other transcripts: non-coding transcript variant (1).
Genome position (GRCh38, 1-based): chr6:42,978,856, G>A on the plus strand (C>T on the coding strand, the complement: PEX6 is on the minus strand). VCF-style: chr6-42978856-G-A. GRCh37 (hg19) VCF-style: chr6-42946594-G-A.
Other names: c.295C>T, p.Arg99Trp (NM_001316313.2); short protein forms R99W.
Identifiers: ClinVar variation 356806 (VCV000356806.13), dbSNP rs772383329, ClinGen allele CA3811639.